The following is an entry in ClinVar:

ClinVar aggregate classification (germline): Uncertain significance. Review status: criteria provided, single submitter (1 of 4 stars). 2 submissions from 1 submitter: Uncertain significance (1). 1 of the submissions does not count toward it. Last evaluated 2022-09-23.

Conditions:
Dyskeratosis congenita, autosomal recessive 5 (DKCB5). Identifiers: MedGen C3554656, MONDO:0014076, OMIM 615190.
Pulmonary fibrosis and/or bone marrow failure, Telomere-related, 3. Also called: PULMONARY FIBROSIS AND/OR BONE MARROW FAILURE SYNDROME, TELOMERE-RELATED, 3. Identifiers: Orphanet 2032, MedGen C4225346, MONDO:0014613, OMIM 616373.

Submissions (2):

Labcorp Genetics (formerly Invitae), Labcorp
Classification: Uncertain significance. Last evaluated: 2022-09-23. Review status: criteria provided, single submitter. Criteria: Invitae Variant Classification Sherloc (09022015). Collection method: clinical testing. Allele origin: germline.
Comment: A copy number gain of the genomic region encompassing the full coding sequence of the TNFRSF6B gene has been identified. The boundaries of this event are unknown as they extend beyond the assayed region for this gene and therefore may encompass additional genes. As the precise location of this event is unknown, it may be in tandem or it may be located elsewhere in the genome. This variant has not been reported in the literature in individuals affected with TNFRSF6B-related conditions. In summary, the available evidence is currently insufficient to determine the role of this variant in disease. Therefore, it has been classified as a Variant of Uncertain Significance.

Labcorp Genetics (formerly Invitae), Labcorp
Classification: Uncertain significance for Dyskeratosis congenita, autosomal recessive 5; Pulmonary fibrosis and/or bone marrow failure, Telomere-related, 3. Last evaluated: 2022-09-23. Review status: flagged submission. Criteria: Invitae Variant Classification Sherloc (09022015). Collection method: clinical testing. Allele origin: germline. Not counted in ClinVar's aggregate classification.
Comment: This variant results in a copy number gain of the genomic region encompassing exon(s) 31-35 of the RTEL1 gene. This region includes the termination codon of the gene. This copy number gain extends beyond the assayed region for this gene and therefore may encompass additional genes. As the precise location of this event is unknown, it may be in tandem or it may be located elsewhere in the genome. This variant has not been reported in the literature in individuals affected with RTEL1-related conditions. In summary, the available evidence is currently insufficient to determine the role of this variant in disease. Therefore, it has been classified as a Variant of Uncertain Significance.
ClinVar note: Reason: This record appears to be redundant with a more recent record from the same submitter.
ClinVar note: Notes: SCV003793518 appears to be redundant with SCV003792512.

NC_000020.10:g.(?_62325705)_(62329916_?)dup

Genes: RTEL1 (regulator of telomere elongation helicase 1; plus strand), TNFRSF6B (TNF receptor superfamily member 6b; plus strand). Cytogenetic location: 20q13.33.
Variant type: Duplication.
Identifiers: ClinVar variation 2424108 (VCV002424108.7).